The following is an entry in ClinVar:

ClinVar aggregate classification (germline): Uncertain significance (1 of 4 stars; one submission).

Conditions:
Hereditary cancer-predisposing syndrome. Also called: Neoplastic Syndromes, Hereditary; Tumor predisposition; Hereditary neoplastic syndrome; Hereditary Cancer Syndrome. Identifiers: Orphanet 140162, MedGen C0027672, MeSH D009386, MONDO:0015356.
Cardiovascular phenotype. Identifiers: MedGen CN230736.

Submission:

Ambry Genetics
Classification: Uncertain significance for Cardiovascular phenotype; Hereditary cancer-predisposing syndrome. Last evaluated: 2024-01-25. Review status: criteria provided, single submitter. Criteria: Ambry Variant Classification Scheme 2023. Collection method: clinical testing. Allele origin: germline.
Comment: The p.L2024F variant (also known as c.6072G>T), located in coding exon 40 of the NF1 gene, results from a G to T substitution at nucleotide position 6072. The leucine at codon 2024 is replaced by phenylalanine, an amino acid with highly similar properties. This amino acid position is highly conserved in available vertebrate species. In addition, this alteration is predicted to be deleterious by in silico analysis. Based on the available evidence, the clinical significance of this alteration remains unclear.

NM_001042492.3(NF1):c.6135G>T (p.Leu2045Phe)

Gene: NF1 (neurofibromin 1; plus strand). Cytogenetic location: 17q11.2.
Variant type: single nucleotide variant.
Coding change: c.6135G>T on transcript NM_001042492.3 (MANE Select); coding-DNA position 6135, G replaced by T.
Protein change: p.Leu2045Phe; replaces leucine 2045 with phenylalanine.
Molecular consequence: missense variant.
Genome position (GRCh38, 1-based): chr17:31,336,461, G>T. VCF-style: chr17-31336461-G-T. GRCh37 (hg19) VCF-style: chr17-29663479-G-T.
Other names: c.6072G>T, p.Leu2024Phe (NM_000267.4); short protein forms L2024F, L2045F.
Identifiers: ClinVar variation 3237858 (VCV003237858.1), dbSNP rs2508745625.